The following is an entry in ClinVar:

NM_032043.3(BRIP1):c.1956G>T (p.Gly652=)

Gene: BRIP1 (BRCA1 interacting DNA helicase 1; minus strand). Cytogenetic location: 17q23.2.
Variant type: single nucleotide variant.
Coding change: c.1956G>T on transcript NM_032043.3 (MANE Select); coding-DNA position 1956, G replaced by T.
Protein change: p.Gly652=; no amino-acid change (glycine 652 retained).
Molecular consequence: synonymous variant.
Genome position (GRCh38, 1-based): chr17:61,776,542, C>A on the plus strand (G>T on the coding strand, the complement: BRIP1 is on the minus strand). VCF-style: chr17-61776542-C-A. GRCh37 (hg19) VCF-style: chr17-59853903-C-A.
Identifiers: ClinVar variation 794090 (VCV000794090.17), dbSNP rs778250103, ClinGen allele CA501150209.

ClinVar aggregate classification (germline): Benign/Likely benign. Review status: criteria provided, multiple submitters, no conflicts (2 of 4 stars). 3 submissions from 3 submitters: Benign (1); Likely benign (2). Last evaluated 2024-08-30.

Conditions:
Familial cancer of breast. Also called: BREAST CANCER, FAMILIAL; Hereditary breast cancer; hereditary breast carcinoma. Identifiers: Orphanet 227535, MedGen C0346153, MONDO:0016419, OMIM 114480. Disease mechanism: loss of function.
Fanconi anemia complementation group J. Also called: BRIP1-Related Fanconi Anemia. Identifiers: Orphanet 84, MedGen C1836860, MONDO:0012187, OMIM 609054.
Hereditary cancer-predisposing syndrome. Also called: Neoplastic Syndromes, Hereditary; Hereditary Cancer Syndrome; Tumor predisposition; Hereditary neoplastic syndrome. Identifiers: Orphanet 140162, MedGen C0027672, MeSH D009386, MONDO:0015356.

gnomAD v4.1: 1 of 1,614,026 alleles (0.000062%); highest among the groups gnomAD compares: Non-Finnish European, 0.000085%; no homozygotes.

Submissions (3):

Myriad Genetics, Inc.
Classification: Benign for Familial cancer of breast. Last evaluated: 2024-08-30. Review status: criteria provided, single submitter. Criteria: Myriad Autosomal Dominant, Autosomal Recessive and X-Linked Classification Criteria (2023). Collection method: clinical testing. Allele origin: unknown.
Comment: This variant is considered benign. This variant is a silent/synonymous amino acid change and it is not expected to impact splicing.

Labcorp Genetics (formerly Invitae), Labcorp
Classification: Likely benign for Familial cancer of breast; Fanconi anemia complementation group J. Last evaluated: 2021-06-18. Review status: criteria provided, single submitter. Criteria: Invitae Variant Classification Sherloc (09022015). Collection method: clinical testing. Allele origin: germline.

Ambry Genetics
Classification: Likely benign for Hereditary cancer-predisposing syndrome. Last evaluated: 2018-03-26. Review status: criteria provided, single submitter. Criteria: Ambry Variant Classification Scheme 2023. Collection method: clinical testing. Allele origin: germline.